The following is an entry in ClinVar:

ClinVar aggregate classification (germline): Conflicting classifications of pathogenicity. Review status: criteria provided, conflicting classifications (1 of 4 stars). 7 submissions from 6 submitters: Uncertain significance (1); Benign (3); Likely benign (3). Last evaluated 2026-02-02.

Conditions:
Fibromuscular dysplasia, multifocal. Identifiers: MedGen C5543412, MONDO:0859151, OMIM 619329.
Familial thoracic aortic aneurysm and aortic dissection (TAAD). Also called: Thoracic aortic aneurysms and dissections. Identifiers: Orphanet 91387, MedGen C4707243, MONDO:0019625.
Ehlers-Danlos syndrome, classic type (cEDS). Identifiers: Orphanet 287, MedGen C4225429, MONDO:0007522.
Ehlers-Danlos syndrome, classic type, 1 (EDSCL1). Also called: EDS I; EHLERS-DANLOS SYNDROME, GRAVIS TYPE; EHLERS-DANLOS SYNDROME, SEVERE CLASSIC TYPE; Ehlers-Danlos Syndrome, Classic Type, COL5A1-Related; Ehlers-Danlos syndrome, type 1. Identifiers: MedGen C0268335, MONDO:0019567, OMIM 130000.

Allele frequency attached by ClinVar (database versions not stated): gnomAD exomes 0.00002; gnomAD 0.00013.
gnomAD v4.1: 35 of 1,613,450 alleles (0.0022%); highest among the groups gnomAD compares: East Asian, 0.071%; no homozygotes.

Submissions (7):

Labcorp Genetics (formerly Invitae), Labcorp
Classification: Likely benign for Ehlers-Danlos syndrome, classic type, 1. Last evaluated: 2026-02-02. Review status: criteria provided, single submitter. Criteria: Invitae Variant Classification Sherloc (09022015). Collection method: clinical testing. Allele origin: germline.

Women's Health and Genetics/Laboratory Corporation of America, LabCorp
Classification: Likely benign. Last evaluated: 2024-10-20. Review status: criteria provided, single submitter. Criteria: LabCorp Variant Classification Summary - May 2015. Collection method: clinical testing. Allele origin: germline.

GeneDx
Classification: Uncertain significance. Last evaluated: 2024-06-05. Review status: criteria provided, single submitter. Criteria: GeneDx Variant Classification Process June 2021. Collection method: clinical testing. Allele origin: germline. Affected: yes.
Comment: Has not been previously published as pathogenic or benign to our knowledge; In silico analysis supports that this missense variant has a deleterious effect on protein structure/function; Occurs in the triple helical domain at the X position in the canonical Gly-X-Y repeat; although this variant may have an effect on normal protein folding and function, missense substitution at the X position is not a common mechanism of disease (PMID: 22696272, HGMD); This variant is associated with the following publications: (PMID: 22696272)

Genome-Nilou Lab
Classification: Benign for Ehlers-Danlos syndrome, classic type, 1. Last evaluated: 2022-03-15. Review status: criteria provided, single submitter. Criteria: ACMG Guidelines, 2015. Collection method: clinical testing. Allele origin: germline. Affected: no.

Genome-Nilou Lab
Classification: Benign for Fibromuscular dysplasia, multifocal. Last evaluated: 2022-03-15. Review status: criteria provided, single submitter. Criteria: ACMG Guidelines, 2015. Collection method: clinical testing. Allele origin: germline. Affected: no.

Ambry Genetics
Classification: Likely benign for Familial thoracic aortic aneurysm and aortic dissection. Last evaluated: 2019-07-23. Review status: criteria provided, single submitter. Criteria: Ambry Variant Classification Scheme 2023. Collection method: clinical testing. Allele origin: germline.

Illumina Laboratory Services, Illumina
Classification: Benign for Ehlers-Danlos syndrome, classic type, 1. Last evaluated: 2018-01-13. Review status: criteria provided, single submitter. Criteria: ICSL Variant Classification Criteria 13 December 2019. Collection method: clinical testing. Allele origin: germline.
Comment: This variant was observed in the ICSL laboratory as part of a predisposition screen in an ostensibly healthy population. It had not been previously curated by ICSL or reported in the Human Gene Mutation Database (HGMD: prior to June 1st, 2018), and was therefore a candidate for classification through an automated scoring system. Utilizing variant allele frequency, disease prevalence and penetrance estimates, and inheritance mode, an automated score was calculated to assess if this variant is too frequent to cause the disease. Based on the score and internal cut-off values, a variant classified as benign is not then subjected to further curation. The score for this variant resulted in a classification of benign for this disease.

NM_000093.5(COL5A1):c.1967C>T (p.Pro656Leu)

Gene: COL5A1 (collagen type V alpha 1 chain; plus strand). Cytogenetic location: 9q34.3.
Variant type: single nucleotide variant.
Coding change: c.1967C>T on transcript NM_000093.5 (MANE Select); coding-DNA position 1967, C replaced by T.
Protein change: p.Pro656Leu; replaces proline 656 with leucine.
Molecular consequence: missense variant.
Genome position (GRCh38, 1-based): chr9:134,761,956, C>T. VCF-style: chr9-134761956-C-T. GRCh37 (hg19) VCF-style: chr9-137653802-C-T.
Other names: c.1967C>T, p.Pro656Leu (NM_001278074.1); c.1967C>T (NM_000093.3); short protein forms P656L.
Identifiers: ClinVar variation 701246 (VCV000701246.21), dbSNP rs748345448, ClinGen allele CA5319073.
Genomic context (GRCh38, chr9:134,761,956, plus strand): 5'-AGGCTGACGTTGACCCTTTCACTTCCTAGGGTGACCCTGGTCCTTCCGGCCCACCAGGAC[C>T]TCCGGGAGACGATGGAGAAAGGGTAGGTATTCTGCCGTCCCTCCGACTGCTCCTGCCTGC-3'
Protein context (NP_000084.3, residues 646-666): GDPGPSGPPG[Pro656Leu]PGDDGERGDD